The following is an entry in ClinVar:

ClinVar aggregate classification (germline): Uncertain significance. Review status: criteria provided, multiple submitters, no conflicts (2 of 4 stars). 3 submissions from 3 submitters: Uncertain significance (3). Last evaluated 2025-06-30.

Conditions:
Hereditary cancer-predisposing syndrome. Also called: Neoplastic Syndromes, Hereditary; Hereditary neoplastic syndrome; Tumor predisposition; Hereditary Cancer Syndrome. Identifiers: Orphanet 140162, MedGen C0027672, MeSH D009386, MONDO:0015356.
Lynch syndrome. Identifiers: Orphanet 144, MedGen C4552100, MONDO:0005835. Disease mechanism: loss of function.

Submissions (3):

Color Diagnostics, LLC DBA Color Health
Classification: Uncertain significance for Hereditary cancer-predisposing syndrome. Last evaluated: 2025-06-30. Review status: criteria provided, single submitter. Criteria: ACMG Guidelines, 2015. Collection method: clinical testing. Allele origin: germline.
Comment: This missense variant replaces lysine with threonine at codon 178 of the PMS2 protein. Computational prediction suggests that this variant may have deleterious impact on protein structure and function. To our knowledge, functional studies have not been reported for this variant. This variant has not been reported in individuals affected with hereditary cancer in the literature. This variant has not been identified in the general population by the Genome Aggregation Database (gnomAD). The available evidence is insufficient to determine the role of this variant in disease conclusively. Therefore, this variant is classified as a Variant of Uncertain Significance.

Ambry Genetics
Classification: Uncertain significance for Hereditary cancer-predisposing syndrome. Last evaluated: 2025-03-11. Review status: criteria provided, single submitter. Criteria: Ambry Variant Classification Scheme 2023. Collection method: clinical testing. Allele origin: germline.
Comment: The p.K178T variant (also known as c.533A>C), located in coding exon 5 of the PMS2 gene, results from an A to C substitution at nucleotide position 533. The lysine at codon 178 is replaced by threonine, an amino acid with similar properties. This amino acid position is highly conserved in available vertebrate species. In addition, this alteration is predicted to be deleterious by in silico analysis. Based on the available evidence, the clinical significance of this variant remains unclear.

Hema, HEMA – Genetic and Molecular Diagnostic Laboratory
Classification: Uncertain significance for Lynch syndrome. Last evaluated: 2024-05-23. Review status: criteria provided, single submitter. Criteria: HEMA Variant Classification Assertion Criteria. Collection method: clinical testing. Allele origin: germline.
Comment: The c.533A>C (p.Lys178Thr) variant is a transversion from thymine to guanine, resulting in the substitution of lysine 178 with threonine in the PMS2 protein. PM2_Supporting: Absent in gnomAD. PP3_Moderate: Prior probability of pathogenicity score MAPP/PP2 = 0.9318 > 0.81.

NM_000535.7(PMS2):c.533A>C (p.Lys178Thr)

Gene: PMS2 (PMS1 homolog 2, mismatch repair system component; minus strand). Cytogenetic location: 7p22.1.
Variant type: single nucleotide variant.
Coding change: c.533A>C on transcript NM_000535.7 (MANE Select); coding-DNA position 533, A replaced by C.
Protein change: p.Lys178Thr; replaces lysine 178 with threonine.
Molecular consequence: missense variant. On other transcripts: 5 prime UTR variant (2), non-coding transcript variant (1).
Genome position (GRCh38, 1-based): chr7:6,002,457, T>G on the plus strand (A>C on the coding strand, the complement: PMS2 is on the minus strand). VCF-style: chr7-6002457-T-G. GRCh37 (hg19) VCF-style: chr7-6042088-T-G.
Other names: c.533A>C (NM_000535.5); c.128A>C, p.Lys43Thr (NM_001322009.2, NM_001322010.2, NM_001322013.2 and 3 more transcripts); c.-352A>C (NM_001322011.2, NM_001322012.2); c.533A>C, p.Lys178Thr (NM_001322014.2, NM_001322006.2); c.224A>C, p.Lys75Thr (NM_001322015.2); c.215A>C, p.Lys72Thr (NM_001322007.2, NM_001322008.2); short protein forms K72T, K75T, K178T, K43T.
Identifiers: ClinVar variation 921890 (VCV000921890.10), dbSNP rs1785187351, ClinGen allele CA366744158.